The following is an entry in ClinVar:

ClinVar aggregate classification (germline): Pathogenic. Review status: criteria provided, multiple submitters, no conflicts (2 of 4 stars). 2 submissions from 2 submitters: Pathogenic (2). Last evaluated 2025-12-09.

Conditions:
Stickler syndrome type 1 (STL1). Also called: COL2A1-Related Stickler Syndrome; STICKLER SYNDROME, MEMBRANOUS VITREOUS TYPE; STICKLER SYNDROME, VITREOUS TYPE 1; ARTHROOPHTHALMOPATHY, HEREDITARY PROGRESSIVE. Identifiers: Orphanet 828, Orphanet 90653, MedGen C2020284, MONDO:0007160, OMIM 108300.

Submissions (2):

Labcorp Genetics (formerly Invitae), Labcorp
Classification: Pathogenic. Last evaluated: 2025-12-09. Review status: criteria provided, single submitter. Criteria: Invitae Variant Classification Sherloc (09022015). Collection method: clinical testing. Allele origin: germline.
Comment: This sequence change affects an acceptor splice site in intron 48 of the COL2A1 gene. It is expected to disrupt RNA splicing. Variants that disrupt the donor or acceptor splice site typically lead to a loss of protein function (PMID: 16199547), and loss-of-function variants in COL2A1 are known to be pathogenic (PMID: 20179744). This variant is not present in population databases (gnomAD no frequency). Disruption of this splice site has been observed in individuals with Stickler syndrome (internal data). ClinVar contains an entry for this variant (Variation ID: 1512633). Algorithms developed to predict the effect of sequence changes on RNA splicing suggest that this variant may disrupt the consensus splice site. For these reasons, this variant has been classified as Pathogenic.

Baylor Genetics
Classification: Pathogenic for Stickler syndrome type 1. Last evaluated: 2024-02-04. Review status: criteria provided, single submitter. Criteria: ACMG Guidelines, 2015. Collection method: clinical testing. Allele origin: unknown.

Literature cited by the submitters: PubMed 16199547 (cited by Labcorp Genetics (formerly Invitae), Labcorp); PubMed 20179744 (cited by Labcorp Genetics (formerly Invitae), Labcorp).

NM_001844.5(COL2A1):c.3436-1G>A

Gene: COL2A1 (collagen type II alpha 1 chain; minus strand). Cytogenetic location: 12q13.11.
Variant type: single nucleotide variant.
Coding change: c.3436-1G>A on transcript NM_001844.5 (MANE Select); the canonical splice acceptor site of the intron before coding-DNA position 3436, G replaced by A.
Molecular consequence: splice acceptor variant.
Genome position (GRCh38, 1-based): chr12:47,976,568, C>T on the plus strand (G>A on the coding strand, the complement: COL2A1 is on the minus strand). VCF-style: chr12-47976568-C-T. GRCh37 (hg19) VCF-style: chr12-48370351-C-T.
Other names: c.3229-1G>A (NM_033150.3).
Identifiers: ClinVar variation 1512633 (VCV001512633.9), dbSNP rs2136516942, ClinGen allele CA384537582.